The following is an entry in ClinVar:

ClinVar aggregate classification (germline): Uncertain significance (1 of 4 stars; one submission).

Conditions:
Hypertrophic cardiomyopathy. Also called: HYPERTROPHIC MYOCARDIOPATHY. Identifiers: Orphanet 217569, MedGen C0007194, MeSH D002312, MONDO:0005045, HP:0001639.

Allele frequency attached by ClinVar (database versions not stated): gnomAD exomes below 0.00001.

Submission:

Labcorp Genetics (formerly Invitae), Labcorp
Classification: Uncertain significance for Hypertrophic cardiomyopathy. Last evaluated: 2025-06-18. Review status: criteria provided, single submitter. Criteria: Invitae Variant Classification Sherloc (09022015). Collection method: clinical testing. Allele origin: germline.
Comment: This sequence change falls in intron 3 of the MYH7 gene. It does not directly change the encoded amino acid sequence of the MYH7 protein. This variant is present in population databases (no rsID available, gnomAD 0.003%). This variant has not been reported in the literature in individuals affected with MYH7-related conditions. ClinVar contains an entry for this variant (Variation ID: 1487143). Algorithms developed to predict the effect of sequence changes on RNA splicing suggest that this variant may disrupt the consensus splice site. In summary, the available evidence is currently insufficient to determine the role of this variant in disease. Therefore, it has been classified as a Variant of Uncertain Significance.

NM_000257.4(MYH7):c.202-13G>A

Gene: MYH7 (myosin heavy chain 7; minus strand). Cytogenetic location: 14q11.2.
Variant type: single nucleotide variant.
Coding change: c.202-13G>A on transcript NM_000257.4 (MANE Select); 13 bases into the intron before coding-DNA position 202, G replaced by A.
Molecular consequence: intron variant.
Genome position (GRCh38, 1-based): chr14:23,433,240, C>T on the plus strand (G>A on the coding strand, the complement: MYH7 is on the minus strand). VCF-style: chr14-23433240-C-T. GRCh37 (hg19) VCF-style: chr14-23902449-C-T.
Identifiers: ClinVar variation 1487143 (VCV001487143.6), dbSNP rs1402773088, ClinGen allele CA612938629.